The following is an entry in ClinVar:

ClinVar aggregate classification (germline): Uncertain significance. Review status: criteria provided, multiple submitters, no conflicts (2 of 4 stars). 2 submissions from 2 submitters: Uncertain significance (2). Last evaluated 2025-08-30.

Conditions:
Familial thoracic aortic aneurysm and aortic dissection (TAAD). Also called: Thoracic aortic aneurysms and dissections. Identifiers: Orphanet 91387, MedGen C4707243, MONDO:0019625.

gnomAD v4.1: 3 of 1,614,048 alleles (0.00019%); highest among the groups gnomAD compares: African/African-American, 0.0027%; no homozygotes.

Submissions (2):

Color Diagnostics, LLC DBA Color Health
Classification: Uncertain significance for Familial thoracic aortic aneurysm and aortic dissection. Last evaluated: 2025-08-30. Review status: criteria provided, single submitter. Criteria: ACMG Guidelines, 2015. Collection method: clinical testing. Allele origin: germline.
Comment: This missense variant replaces histidine with glutamine at codon 148 of the MYH11 protein. Computational prediction is inconclusive regarding the impact of this variant on protein structure and function. To our knowledge, functional studies have not been reported for this variant. This variant has not been reported in individuals affected with MYH11-related disorders in the literature. This variant has been identified in 1/251484 chromosomes in the general population by the Genome Aggregation Database (gnomAD). The available evidence is insufficient to determine the role of this variant in disease conclusively. Therefore, this variant is classified as a Variant of Uncertain Significance.

Ambry Genetics
Classification: Uncertain significance for Familial thoracic aortic aneurysm and aortic dissection. Last evaluated: 2022-12-09. Review status: criteria provided, single submitter. Criteria: Ambry Variant Classification Scheme 2023. Collection method: clinical testing. Allele origin: germline.
Comment: The p.H148Q variant (also known as c.444C>G), located in coding exon 2 of the MYH11 gene, results from a C to G substitution at nucleotide position 444. The histidine at codon 148 is replaced by glutamine, an amino acid with highly similar properties. This amino acid position is conserved. In addition, the in silico prediction for this alteration is inconclusive. Since supporting evidence is limited at this time, the clinical significance of this alteration remains unclear.

NM_002474.3(MYH11):c.444C>G (p.His148Gln)

Gene: MYH11 (myosin heavy chain 11; minus strand). Cytogenetic location: 16p13.11.
Variant type: single nucleotide variant.
Coding change: c.444C>G on transcript NM_002474.3 (MANE Select); coding-DNA position 444, C replaced by G.
Protein change: p.His148Gln; replaces histidine 148 with glutamine.
Molecular consequence: missense variant.
Genome position (GRCh38, 1-based): chr16:15,823,313, G>C on the plus strand (C>G on the coding strand, the complement: MYH11 is on the minus strand). VCF-style: chr16-15823313-G-C. GRCh37 (hg19) VCF-style: chr16-15917170-G-C.
Other names: c.444C>G, p.His148Gln (NM_001040113.2, NM_001040114.2, NM_022844.3); short protein forms H148Q.
Identifiers: ClinVar variation 2448074 (VCV002448074.3), dbSNP rs569925780, ClinGen allele CA7923047.